The following is an entry in ClinVar:

NM_004370.6(COL12A1):c.4963G>A (p.Val1655Met)

Gene: COL12A1 (collagen type XII alpha 1 chain; minus strand). Cytogenetic location: 6q13.
Variant type: single nucleotide variant.
Coding change: c.4963G>A on transcript NM_004370.6 (MANE Select); coding-DNA position 4963, G replaced by A.
Protein change: p.Val1655Met; replaces valine 1655 with methionine.
Molecular consequence: missense variant.
Genome position (GRCh38, 1-based): chr6:75,138,956, C>T on the plus strand (G>A on the coding strand, the complement: COL12A1 is on the minus strand). VCF-style: chr6-75138956-C-T. GRCh37 (hg19) VCF-style: chr6-75848672-C-T.
Other names: p.Val1655Met; c.1471G>A, p.Val491Met (NM_080645.3); short protein forms V491M, V1655M.
Identifiers: ClinVar variation 856965 (VCV000856965.9), dbSNP rs749368197, ClinGen allele CA3893286.

ClinVar aggregate classification (germline): Conflicting classifications of pathogenicity. Review status: criteria provided, conflicting classifications (1 of 4 stars). 3 submissions from 3 submitters: Uncertain significance (2); Likely benign (1). Last evaluated 2025-11-09.

Conditions:
Ullrich congenital muscular dystrophy 2 (UCMD2). Identifiers: Orphanet 75840, MedGen C4225314, MONDO:0014654, OMIM 616470.
Bethlem myopathy 2 (BTHLM2). Identifiers: Orphanet 536516, Orphanet 610, MedGen C4225313, MONDO:0034022, OMIM 616471.

Allele frequency attached by ClinVar (database versions not stated): gnomAD exomes 0.00002 and 0.00003; ExAC 0.00003; TOPMed 0.00004; gnomAD 0.00004 and 0.00005.
gnomAD v4.1: 53 of 1,613,780 alleles (0.0033%); highest among the groups gnomAD compares: Non-Finnish European, 0.0041%; no homozygotes.

Submissions (3):

Labcorp Genetics (formerly Invitae), Labcorp
Classification: Likely benign for Bethlem myopathy 2; Ullrich congenital muscular dystrophy 2. Last evaluated: 2025-11-09. Review status: criteria provided, single submitter. Criteria: Invitae Variant Classification Sherloc (09022015). Collection method: clinical testing. Allele origin: germline.

Mayo Clinic Laboratories, Mayo Clinic
Classification: Uncertain significance. Last evaluated: 2025-08-21. Review status: criteria provided, single submitter. Criteria: ACMG Guidelines, 2015. Collection method: clinical testing. Allele origin: germline. Observed: 1 variant allele.
Comment: BP4

Women's Health and Genetics/Laboratory Corporation of America, LabCorp
Classification: Uncertain significance. Last evaluated: 2025-07-28. Review status: criteria provided, single submitter. Criteria: LabCorp Variant Classification Summary - May 2015. Collection method: clinical testing. Allele origin: germline.
Comment: Variant summary: COL12A1 c.4963G>A (p.Val1655Met) results in a conservative amino acid change located in the Fibronectin type 3 domain (IPR003961) of the encoded protein sequence. Algorithms developed to predict the effect of missense changes on protein structure and function are either unavailable or do not agree on the potential impact of this missense change. The variant allele was found at a frequency of 1.6e-05 in 248652 control chromosomes. The available data on variant occurrences in the general population are insufficient to allow any conclusion about variant significance. c.4963G>A has been observed in an individual with a sporadic aortic dissection, without strong evidence of causality (example: Li_2017). This report does not provide unequivocal conclusions about association of the variant with Ullrich congenital muscular dystrophy 2. To our knowledge, no experimental evidence demonstrating an impact on protein function has been reported. The following publication has been ascertained in the context of this evaluation (PMID: 27975164). ClinVar contains an entry for this variant (Variation ID: 856965). Based on the evidence outlined above, the variant was classified as uncertain significance.

Literature cited by the submitters: PubMed 27975164 (cited by Women's Health and Genetics/Laboratory Corporation of America, LabCorp).